The following is an entry in ClinVar:

NM_001164508.2(NEB):c.25172G>A (p.Arg8391Gln)

Genes: NEB (nebulin; minus strand), RIF1 (replication timing regulatory factor 1; plus strand). Cytogenetic location: 2q23.3.
Variant type: single nucleotide variant.
Coding change: c.25172G>A on transcript NM_001164508.2 (MANE Select); coding-DNA position 25172, G replaced by A.
Protein change: p.Arg8391Gln; replaces arginine 8391 with glutamine.
Molecular consequence: missense variant.
Genome position (GRCh38, 1-based): chr2:151,490,497, C>T on the plus strand (G>A on the coding strand, the complement: NEB is on the minus strand). VCF-style: chr2-151490497-C-T. GRCh37 (hg19) VCF-style: chr2-152347011-C-T.
Other names: c.25172G>A, p.Arg8391Gln (NM_001164507.2); c.25277G>A, p.Arg8426Gln (NM_001271208.2); c.19604G>A, p.Arg6535Gln (NM_004543.5); short protein forms R8426Q, R6535Q, R8391Q.
Identifiers: ClinVar variation 566656 (VCV000566656.15), dbSNP rs749034995, ClinGen allele CA1905787.

ClinVar aggregate classification (germline): Conflicting classifications of pathogenicity. Review status: criteria provided, conflicting classifications (1 of 4 stars). 6 submissions from 6 submitters: Uncertain significance (4); Likely benign (1). 1 of the submissions does not count toward it. Last evaluated 2025-11-06.

Conditions:
Nemaline myopathy 2 (NEM2). Also called: Nemaline myopathy 2, autosomal recessive. Identifiers: MedGen C1850569, MONDO:0009725, OMIM 256030.
Arthrogryposis multiplex congenita 6. Identifiers: MedGen C5543431, MONDO:0030281, OMIM 619334.

Allele frequency attached by ClinVar (database versions not stated): gnomAD 0.00001; gnomAD exomes 0.00002 and 0.00003; TOPMed 0.00004; ExAC 0.00005.
gnomAD v4.1: 29 of 1,609,072 alleles (0.0018%); highest among the groups gnomAD compares: Middle Eastern, 0.017%; no homozygotes.

Submissions (6):

Labcorp Genetics (formerly Invitae), Labcorp
Classification: Likely benign for Nemaline myopathy 2. Last evaluated: 2025-11-06. Review status: criteria provided, single submitter. Criteria: Invitae Variant Classification Sherloc (09022015). Collection method: clinical testing. Allele origin: germline.

GeneDx
Classification: Uncertain significance. Last evaluated: 2025-07-24. Review status: criteria provided, single submitter. Criteria: GeneDx Variant Classification Process June 2021. Collection method: clinical testing. Allele origin: germline. Affected: yes.
Comment: Reported previously in homozygous state in a patient with sensorineural hearing loss, global developmental delay, muscular hypotonia, retinitis pigmentosa, mild failure to thrive, and dysmorphic features in the literature and not observed in homozygous state in controls; however, the patient also harbored several homozygous variants in other genes (PMID: 33363762); Not observed at significant frequency in large population cohorts (gnomAD); In silico analysis suggests that this missense variant does not alter protein structure/function; This variant is associated with the following publications: (PMID: 33363762)

Revvity Omics, Revvity
Classification: Uncertain significance. Last evaluated: 2022-10-01. Review status: criteria provided, single submitter. Criteria: ACMG Guidelines, 2015. Collection method: clinical testing. Allele origin: germline.

Fulgent Genetics
Classification: Uncertain significance for Nemaline myopathy 2; Arthrogryposis multiplex congenita 6. Last evaluated: 2022-02-11. Review status: criteria provided, single submitter. Criteria: ACMG Guidelines, 2015. Collection method: clinical testing. Allele origin: unknown.

Baylor Genetics
Classification: Uncertain significance for Nemaline myopathy 2. Last evaluated: 2019-03-07. Review status: criteria provided, single submitter. Criteria: ACMG Guidelines, 2015. Collection method: clinical testing. Allele origin: maternal. Affected: yes.
Comment: This variant was determined to be of uncertain significance according to ACMG Guidelines, 2015 [PMID:25741868].

Natera, Inc.
Classification: Uncertain significance for Nemaline myopathy type 2. Last evaluated: 2019-11-11. Review status: no assertion criteria provided. Collection method: clinical testing. Allele origin: germline. Not counted in ClinVar's aggregate classification.